The following is an entry in ClinVar:

ClinVar aggregate classification (germline): Uncertain significance (1 of 4 stars; one submission).

Conditions:
Neurofibromatosis, type 1 (NF1). Also called: VON RECKLINGHAUSEN DISEASE; Neurofibromatosis, type I; NEUROFIBROMATOSIS, TYPE I, SOMATIC; Peripheral type neurofibromatosis. Identifiers: Orphanet 636, MedGen C0027831, MONDO:0018975, OMIM 162200. Disease mechanism: loss of function.

Submission:

Labcorp Genetics (formerly Invitae), Labcorp
Classification: Uncertain significance for Neurofibromatosis, type 1. Last evaluated: 2025-04-09. Review status: criteria provided, single submitter. Criteria: Invitae Variant Classification Sherloc (09022015). Collection method: clinical testing. Allele origin: germline.
Comment: This sequence change replaces leucine, which is neutral and non-polar, with histidine, which is basic and polar, at codon 808 of the NF1 protein (p.Leu808His). This variant is not present in population databases (gnomAD no frequency). This variant has not been reported in the literature in individuals affected with NF1-related conditions. Invitae Evidence Modeling of protein sequence and biophysical properties (such as structural, functional, and spatial information, amino acid conservation, physicochemical variation, residue mobility, and thermodynamic stability) indicates that this missense variant is not expected to disrupt NF1 protein function with a negative predictive value of 95%. In summary, the available evidence is currently insufficient to determine the role of this variant in disease. Therefore, it has been classified as a Variant of Uncertain Significance.

NM_001042492.3(NF1):c.2423T>A (p.Leu808His)

Gene: NF1 (neurofibromin 1; plus strand). Cytogenetic location: 17q11.2.
Variant type: single nucleotide variant.
Coding change: c.2423T>A on transcript NM_001042492.3 (MANE Select); coding-DNA position 2423, T replaced by A.
Protein change: p.Leu808His; replaces leucine 808 with histidine.
Molecular consequence: missense variant.
Genome position (GRCh38, 1-based): chr17:31,229,038, T>A. VCF-style: chr17-31229038-T-A. GRCh37 (hg19) VCF-style: chr17-29556056-T-A.
Other names: c.2423T>A, p.Leu808His (NM_000267.4); short protein forms L808H.
Identifiers: ClinVar variation 4800735 (VCV004800735.1).